The following is an entry in ClinVar:

ClinVar aggregate classification (germline): Uncertain significance. Review status: criteria provided, multiple submitters, no conflicts (2 of 4 stars). 2 submissions from 2 submitters: Uncertain significance (2). Last evaluated 2025-07-22.

Conditions:
RYR1-related disorder. Also called: RYR1-related condition; RYR1-related disorders. Identifiers: MedGen CN239331.

Allele frequency attached by ClinVar (database versions not stated): gnomAD exomes 0.00001.
gnomAD v4.1: 11 of 1,614,218 alleles (0.00068%); highest among the groups gnomAD compares: Non-Finnish European, 0.00093%; no homozygotes.

Submissions (2):

GeneDx
Classification: Uncertain significance. Last evaluated: 2025-07-22. Review status: criteria provided, single submitter. Criteria: GeneDx Variant Classification Process June 2021. Collection method: clinical testing. Allele origin: germline. Affected: yes.
Comment: Not observed at significant frequency in large population cohorts (gnomAD); In silico analysis supports that this missense variant has a deleterious effect on protein structure/function; Has not been previously published as pathogenic or benign to our knowledge

Labcorp Genetics (formerly Invitae), Labcorp
Classification: Uncertain significance for RYR1-related disorder. Last evaluated: 2023-11-25. Review status: criteria provided, single submitter. Criteria: Invitae Variant Classification Sherloc (09022015). Collection method: clinical testing. Allele origin: germline.
Comment: This sequence change replaces leucine, which is neutral and non-polar, with phenylalanine, which is neutral and non-polar, at codon 4047 of the RYR1 protein (p.Leu4047Phe). This variant is present in population databases (no rsID available, gnomAD 0.0009%). This variant has not been reported in the literature in individuals affected with RYR1-related conditions. Advanced modeling of protein sequence and biophysical properties (such as structural, functional, and spatial information, amino acid conservation, physicochemical variation, residue mobility, and thermodynamic stability) has been performed at Invitae for this missense variant, however the output from this modeling did not meet the statistical confidence thresholds required to predict the impact of this variant on RYR1 protein function. In summary, the available evidence is currently insufficient to determine the role of this variant in disease. Therefore, it has been classified as a Variant of Uncertain Significance.

NM_000540.3(RYR1):c.12139C>T (p.Leu4047Phe)

Gene: RYR1 (ryanodine receptor 1; plus strand). Cytogenetic location: 19q13.2.
Variant type: single nucleotide variant.
Coding change: c.12139C>T on transcript NM_000540.3 (MANE Select); coding-DNA position 12139, C replaced by T.
Protein change: p.Leu4047Phe; replaces leucine 4047 with phenylalanine.
Molecular consequence: missense variant.
Genome position (GRCh38, 1-based): chr19:38,548,277, C>T. VCF-style: chr19-38548277-C-T. GRCh37 (hg19) VCF-style: chr19-39038917-C-T.
Other names: c.12124C>T, p.Leu4042Phe (NM_001042723.2); short protein forms L4042F, L4047F.
Identifiers: ClinVar variation 2969003 (VCV002969003.4), dbSNP rs1387599950, ClinGen allele CA405665268.
Genomic context (GRCh38, chr19:38,548,277, plus strand): 5'-CTGGGGCTGCCTGCAGGGAACGTGGTGAACGGCATGATCGCCCGGCAGATGGTGGACATG[C>T]TCGTGGAATCCTCATCCAATGTGGAGATGATCCTCAAGTTCTTCGACATGTTCCTGAAAC-3'
Protein context (NP_000531.2, residues 4037-4057): GMIARQMVDM[Leu4047Phe]VESSSNVEMI